The following is an entry in ClinVar:

ClinVar aggregate classification (germline): Pathogenic (1 of 4 stars; one submission).

Submission:

Labcorp Genetics (formerly Invitae), Labcorp
Classification: Pathogenic. Last evaluated: 2023-08-28. Review status: criteria provided, single submitter. Criteria: Invitae Variant Classification Sherloc (09022015). Collection method: clinical testing. Allele origin: germline.
Comment: For these reasons, this variant has been classified as Pathogenic. This variant has not been reported in the literature in individuals affected with ERCC6-related conditions. This variant is not present in population databases (gnomAD no frequency). This sequence change creates a premature translational stop signal (p.Pro221Hisfs*25) in the ERCC6 gene. It is expected to result in an absent or disrupted protein product. Loss-of-function variants in ERCC6 are known to be pathogenic (PMID: 18628313, 29572252).

Literature cited by the submitters: PubMed 18628313; PubMed 29572252.

NM_000124.4(ERCC6):c.660del (p.Pro221fs)

Gene: ERCC6 (ERCC excision repair 6, chromatin remodeling factor; minus strand). Cytogenetic location: 10q11.23.
Variant type: Deletion.
Coding change: c.660del on transcript NM_000124.4 (MANE Select); coding-DNA position 660, one base deleted (G; older notation c.660delG).
Protein change: p.Pro221fs; shifts the reading frame from proline 221.
Molecular consequence: frameshift variant.
Genome position (GRCh38, 1-based): chr10:49,524,770, C deleted on the plus strand (G on the coding strand, the reverse complement: ERCC6 is on the minus strand); the first of 4 consecutive C bases (chr10:49,524,770-49,524,773); deleting any one gives the same sequence. VCF-style (leftmost placement, unchanged base first): chr10-49524769-GC-G. GRCh37 (hg19) VCF-style: chr10-50732815-GC-G.
Other names: c.660del, p.Pro221fs (NM_001277058.2, NM_001277059.2, NM_001346440.2); short protein forms P221fs.
Identifiers: ClinVar variation 2803648 (VCV002803648.3), dbSNP rs2496142607, ClinGen allele CA2609140321.
Genomic context (GRCh38, chr10:49,524,769, plus strand): 5'-GGATGAGCTCTTCCCAGGCAGTCTCCTGGACAGGCATGAGCATGCTGCCAAGACTGGATG[GC>G]CCCGGCTCTGAAAGAACAATAGCAATGCGTTTCGCACTAGCATGAAACTTTCCGAGGGTA-3'